The following is an entry in ClinVar:

NM_002529.4(NTRK1):c.1519C>T (p.Arg507Cys)

Gene: NTRK1 (neurotrophic receptor tyrosine kinase 1; plus strand). Cytogenetic location: 1q23.1.
Variant type: single nucleotide variant.
Coding change: c.1519C>T on transcript NM_002529.4 (MANE Select); coding-DNA position 1519, C replaced by T.
Protein change: p.Arg507Cys; replaces arginine 507 with cysteine.
Molecular consequence: missense variant.
Genome position (GRCh38, 1-based): chr1:156,876,097, C>T. VCF-style: chr1-156876097-C-T. GRCh37 (hg19) VCF-style: chr1-156845889-C-T.
Other names: c.1519C>T, p.Arg507Cys (NM_001007204.1); c.1411C>T, p.Arg471Cys (NM_001007792.1); c.1501C>T, p.Arg501Cys (NM_001012331.2); short protein forms R507C, R471C, R501C.
Identifiers: ClinVar variation 2049197 (VCV002049197.2), dbSNP rs757590743, ClinGen allele CA1169370.

ClinVar aggregate classification (germline): Uncertain significance. Review status: criteria provided, multiple submitters, no conflicts (2 of 4 stars). 2 submissions from 2 submitters: Uncertain significance (2). Last evaluated 2025-04-02.

Conditions:
Inborn genetic diseases. Identifiers: MedGen C0950123, MeSH D030342.
Hereditary insensitivity to pain with anhidrosis (CIPA). Also called: FAMILIAL DYSAUTONOMIA, TYPE II; NEUROPATHY, CONGENITAL SENSORY, WITH ANHIDROSIS; NTRK1 Congenital Insensitivity to Pain with Anhidrosis; INSENSITIVITY TO PAIN, CONGENITAL, WITH ANHIDROSIS; HSAN Type IV; hereditary sensory and autonomic neuropathy type 4. Identifiers: Orphanet 642, MedGen C0020074, MONDO:0009746, OMIM 256800.

Allele frequency attached by ClinVar (database versions not stated): TOPMed 0.00003.
gnomAD v4.1: 64 of 1,614,114 alleles (0.004%); highest among the groups gnomAD compares: Middle Eastern, 0.016%; no homozygotes.

Submissions (2):

Ambry Genetics
Classification: Uncertain significance for Inborn genetic diseases. Last evaluated: 2025-04-02. Review status: criteria provided, single submitter. Criteria: Ambry Variant Classification Scheme 2023. Collection method: clinical testing. Allele origin: germline.

Labcorp Genetics (formerly Invitae), Labcorp
Classification: Uncertain significance for Hereditary insensitivity to pain with anhidrosis. Last evaluated: 2021-09-01. Review status: criteria provided, single submitter. Criteria: Invitae Variant Classification Sherloc (09022015). Collection method: clinical testing. Allele origin: germline.
Comment: This sequence change replaces arginine with cysteine at codon 501 of the NTRK1 protein (p.Arg501Cys). The arginine residue is highly conserved and there is a large physicochemical difference between arginine and cysteine. This variant is present in population databases (rs757590743, ExAC 0.01%). This variant has not been reported in the literature in individuals affected with NTRK1-related conditions. Algorithms developed to predict the effect of missense changes on protein structure and function (SIFT, PolyPhen-2, Align-GVGD) all suggest that this variant is likely to be disruptive. In summary, the available evidence is currently insufficient to determine the role of this variant in disease. Therefore, it has been classified as a Variant of Uncertain Significance.